The following is an entry in ClinVar:

ClinVar aggregate classification (germline): Uncertain significance (1 of 4 stars; one submission).

Conditions:
Myopathy, myofibrillar, 9, with early respiratory failure (MFM9). Also called: EDSTROM MYOPATHY; Myopathy, distal, with early respiratory failure, autosomal dominant; MYOPATHY, PROXIMAL, WITH EARLY RESPIRATORY MUSCLE INVOLVEMENT; Hereditary myopathy with early respiratory failure. Identifiers: Orphanet 178464, Orphanet 34521, MedGen C1863599, MONDO:0011362, OMIM 603689.

Submission:

Broad Center for Mendelian Genomics, Broad Institute of MIT and Harvard
Classification: Uncertain significance for Myopathy, myofibrillar, 9, with early respiratory failure. Last evaluated: 2023-05-02. Review status: criteria provided, single submitter. Criteria: ACMG Guidelines, 2015. Collection method: curation. Allele origin: germline. Inheritance: Autosomal dominant inheritance.
Comment: The p.Asn33239ThrfsTer18 variant in TTN has not been previously reported in individuals with myofibrillar myopathy-9 with early respiratory failure. This variant was absent from large population studies. This variant is predicted to cause a frameshift, which alters the protein‚Äôs amino acid sequence beginning at position 33239 and leads to a premature termination codon 18 amino acids downstream. This alteration is then predicted to lead to a truncated or absent protein. It is of note that heterozygous loss of function of TTN in autosomal dominant myofibrillar myopathy-9 with early respiratory failure has not yet been established based on the criteria laid out in Tayoun et al., 2018 (PMID: 30192042). In summary, the clinical significance of the p.Asn33239ThrfsTer18 variant in TTN is uncertain. ACMG/AMP Criteria applied: PM2_Supporting (Richards 2015).

NR_038272.1(TTN-AS1):n.450del

Genes: TTN (titin; minus strand), TTN-AS1 (TTN antisense RNA 1; plus strand), LOC126806420 (BRD4-independent group 4 enhancer GRCh37_chr2:179401104-179402303; plus strand). Cytogenetic location: 2q31.2.
Variant type: Deletion.
Molecular consequence: frameshift variant (on NM_001267550.2). On other transcripts: non-coding transcript variant (1).
Genome position: GRCh38 VCF-style: chr2-178537490-GT-G. GRCh37 (hg19) VCF-style: chr2-179402217-GT-G.
Other names: NR_038272.1:n.450del; c.94793del, p.Asn31598fs (NM_001256850.1); c.99716del, p.Asn33239fs (NM_001267550.2); c.72521del, p.Asn24174fs (NM_003319.4); c.92012del, p.Asn30671fs (NM_133378.4); c.72896del, p.Asn24299fs (NM_133432.3); c.73097del, p.Asn24366fs (NM_133437.4); short protein forms N24174fs, N24299fs, N24366fs, N30671fs, N31598fs, N33239fs.
Identifiers: ClinVar variation 2500878 (VCV002500878.1), dbSNP rs2468674108, ClinGen allele CA2573334551.
Genomic context (GRCh38, chr2:178,537,490, plus strand): 5'-GACATTCTTCATGACAAGATGAGTATAGTGCTCAGTGTTTTCAATAGTAATGTTTTCTGA[GT>G]TTTGCAAAAGTTTCTGACCATGGAACCAAGTCATGGCAGGTACTGGACGACCAATGTACA-3'